The following is an entry in ClinVar:

ClinVar aggregate classification (germline): Conflicting classifications of pathogenicity. Review status: criteria provided, conflicting classifications (1 of 4 stars). 3 submissions from 3 submitters: Uncertain significance (2); Benign (1). Last evaluated 2026-01-11.

Conditions:
Adams-Oliver syndrome 5 (AOS5). Identifiers: Orphanet 974, MedGen C4014970, MONDO:0014459, OMIM 616028.
Familial thoracic aortic aneurysm and aortic dissection (TAAD). Also called: Thoracic aortic aneurysms and dissections. Identifiers: Orphanet 91387, MedGen C4707243, MONDO:0019625.

Allele frequency attached by ClinVar (database versions not stated): gnomAD exomes below 0.00001; gnomAD 0.00003; TOPMed 0.00003.

Submissions (3):

Labcorp Genetics (formerly Invitae), Labcorp
Classification: Benign for Adams-Oliver syndrome 5. Last evaluated: 2026-01-11. Review status: criteria provided, single submitter. Criteria: Invitae Variant Classification Sherloc (09022015). Collection method: clinical testing. Allele origin: germline.

Blueprint Genetics
Classification: Uncertain significance. Last evaluated: 2023-08-04. Review status: criteria provided, single submitter. Criteria: ACMG Guidelines, 2015. Collection method: clinical testing. Allele origin: germline.

Ambry Genetics
Classification: Uncertain significance for Familial thoracic aortic aneurysm and aortic dissection. Last evaluated: 2022-12-18. Review status: criteria provided, single submitter. Criteria: Ambry Variant Classification Scheme 2023. Collection method: clinical testing. Allele origin: germline.
Comment: The p.E2254K variant (also known as c.6760G>A), located in coding exon 34 of the NOTCH1 gene, results from a G to A substitution at nucleotide position 6760. The glutamic acid at codon 2254 is replaced by lysine, an amino acid with similar properties. This amino acid position is well conserved in available vertebrate species. In addition, the in silico prediction for this alteration is inconclusive. Since supporting evidence is limited at this time, the clinical significance of this alteration remains unclear.

NM_017617.5(NOTCH1):c.6760G>A (p.Glu2254Lys)

Gene: NOTCH1 (notch receptor 1; minus strand). Cytogenetic location: 9q34.3.
Variant type: single nucleotide variant.
Coding change: c.6760G>A on transcript NM_017617.5 (MANE Select); coding-DNA position 6760, G replaced by A.
Protein change: p.Glu2254Lys; replaces glutamic acid 2254 with lysine.
Molecular consequence: missense variant.
Genome position (GRCh38, 1-based): chr9:136,496,979, C>T on the plus strand (G>A on the coding strand, the complement: NOTCH1 is on the minus strand). VCF-style: chr9-136496979-C-T. GRCh37 (hg19) VCF-style: chr9-139391431-C-T.
Other names: c.6760G>A, p.Glu2254Lys (LRG_1122t1); short protein forms E2254K.
Identifiers: ClinVar variation 575261 (VCV000575261.14), dbSNP rs1163673587, ClinGen allele CA375630361.